The following is an entry in ClinVar:

ClinVar aggregate classification (germline): Uncertain significance (1 of 4 stars; one submission).

Conditions:
Familial encephalopathy with neuroserpin inclusion bodies. Also called: ENCEPHALOPATHY, FAMILIAL, WITH COLLINS BODIES. Identifiers: Orphanet 85110, MedGen C1858680, MONDO:0011412, OMIM 604218.

Allele frequency attached by ClinVar (database versions not stated): gnomAD exomes below 0.00001; gnomAD 0.00001.
gnomAD v4.1: 3 of 1,614,028 alleles (0.00019%); highest among the groups gnomAD compares: Admixed American, 0.0017%; no homozygotes.

Submission:

Labcorp Genetics (formerly Invitae), Labcorp
Classification: Uncertain significance for Familial encephalopathy with neuroserpin inclusion bodies. Last evaluated: 2023-12-11. Review status: criteria provided, single submitter. Criteria: Invitae Variant Classification Sherloc (09022015). Collection method: clinical testing. Allele origin: germline.
Comment: This sequence change replaces glutamine, which is neutral and polar, with arginine, which is basic and polar, at codon 13 of the SERPINI1 protein (p.Gln13Arg). This variant is not present in population databases (gnomAD no frequency). This variant has not been reported in the literature in individuals affected with SERPINI1-related conditions. Advanced modeling of protein sequence and biophysical properties (such as structural, functional, and spatial information, amino acid conservation, physicochemical variation, residue mobility, and thermodynamic stability) performed at Invitae indicates that this missense variant is not expected to disrupt SERPINI1 protein function with a negative predictive value of 95%. In summary, the available evidence is currently insufficient to determine the role of this variant in disease. Therefore, it has been classified as a Variant of Uncertain Significance.

NM_001122752.2(SERPINI1):c.38A>G (p.Gln13Arg)

Gene: SERPINI1 (serpin family I member 1; plus strand). Cytogenetic location: 3q26.1.
Variant type: single nucleotide variant.
Coding change: c.38A>G on transcript NM_001122752.2 (MANE Select); coding-DNA position 38, A replaced by G.
Protein change: p.Gln13Arg; replaces glutamine 13 with arginine.
Molecular consequence: missense variant.
Genome position (GRCh38, 1-based): chr3:167,789,166, A>G. VCF-style: chr3-167789166-A-G. GRCh37 (hg19) VCF-style: chr3-167506954-A-G.
Other names: c.38A>G, p.Gln13Arg (NM_005025.5); short protein forms Q13R.
Identifiers: ClinVar variation 2845773 (VCV002845773.3), dbSNP rs1727411203, ClinGen allele CA355155410.